The following is an entry in ClinVar:

NM_001003787.4(STRADA):c.482C>T (p.Thr161Ile)

Genes: STRADA (STE20 related adaptor alpha; minus strand), LOC125312417 (Sharpr-MPRA regulatory region 9817; plus strand). Cytogenetic location: 17q23.3.
Variant type: single nucleotide variant.
Coding change: c.482C>T on transcript NM_001003787.4 (MANE Select); coding-DNA position 482, C replaced by T.
Protein change: p.Thr161Ile; replaces threonine 161 with isoleucine.
Molecular consequence: missense variant. On other transcripts: non-coding transcript variant (1).
Genome position (GRCh38, 1-based): chr17:63,710,590, G>A on the plus strand (C>T on the coding strand, the complement: STRADA is on the minus strand). VCF-style: chr17-63710590-G-A. GRCh37 (hg19) VCF-style: chr17-61787950-G-A.
Other names: c.371C>T, p.Thr124Ile (NM_001003786.3, NM_001363789.1, NM_153335.6); c.308C>T, p.Thr103Ile (NM_001003788.3, NM_001363790.1, NM_001363791.1); c.395C>T, p.Thr132Ile (NM_001165969.2, NM_001363787.1); c.350C>T, p.Thr117Ile (NM_001165970.2); c.458C>T, p.Thr153Ile (NM_001363786.1); c.482C>T, p.Thr161Ile (NM_001363788.1); short protein forms T161I, T124I, T153I, T117I, T132I, T103I.
Identifiers: ClinVar variation 536762 (VCV000536762.14), dbSNP rs61734987, ClinGen allele CA8703373.
Genomic context (GRCh38, chr17:63,710,590, plus strand): 5'-TTCAGCACCCCCTGCAGGATGTAAGCAATCGCCAGCTCATTCATGCCATCCATGAAGTGT[G>A]TACAGATGAGATCTTTTGCAGAACCTGCAGAAAAGGATTGCATGGAGGCAGTGAAAGGTA-3'
Protein context (NP_001003787.1, residues 151-171): AYGSAKDLIC[Thr161Ile]HFMDGMNELA

ClinVar aggregate classification (germline): Likely benign. Review status: criteria provided, multiple submitters, no conflicts (2 of 4 stars). 3 submissions from 3 submitters: Likely benign (2). 1 of the submissions does not count toward it. Last evaluated 2026-01-28.

Conditions:
Polyhydramnios, megalencephaly, and symptomatic epilepsy (PMSE). Also called: PMSE SYNDROME. Identifiers: Orphanet 500533, MedGen C1970203, MONDO:0012611, OMIM 611087.
STRADA-related disorder. Also called: STRADA-related condition.

Allele frequency attached by ClinVar (database versions not stated): gnomAD 0.00113 and 0.00123; ESP Exome Variant Server 0.00123; gnomAD exomes 0.00031 and 0.00011; 1000 Genomes Project 0.00100; TOPMed 0.00113; ExAC 0.00035; 1000 Genomes Project 30x 0.00141.
gnomAD v4.1: 336 of 1,614,052 alleles (0.021%); highest among the groups gnomAD compares: African/African-American, 0.41%; 1 homozygote.

Submissions (3):

Labcorp Genetics (formerly Invitae), Labcorp
Classification: Likely benign for Polyhydramnios, megalencephaly, and symptomatic epilepsy. Last evaluated: 2026-01-28. Review status: criteria provided, single submitter. Criteria: Invitae Variant Classification Sherloc (09022015). Collection method: clinical testing. Allele origin: germline.

ARUP Laboratories, Molecular Genetics and Genomics, ARUP Laboratories
Classification: Likely benign for Polyhydramnios, megalencephaly, and symptomatic epilepsy. Last evaluated: 2024-06-06. Review status: criteria provided, single submitter. Criteria: ARUP Molecular Germline Variant Investigation Process 2024. Collection method: clinical testing. Allele origin: germline.

PreventionGenetics, part of Exact Sciences
Classification: Likely benign for STRADA-related condition. Last evaluated: 2023-03-24. Review status: no assertion criteria provided. Collection method: clinical testing. Allele origin: germline. Not counted in ClinVar's aggregate classification.
Comment: This variant is classified as likely benign based on ACMG/AMP sequence variant interpretation guidelines (Richards et al. 2015 PMID: 25741868, with internal and published modifications).